The following is an entry in ClinVar:

NM_002354.3(EPCAM):c.658-10T>C

Gene: EPCAM (epithelial cell adhesion molecule; plus strand). Cytogenetic location: 2p21.
Variant type: single nucleotide variant.
Coding change: c.658-10T>C on transcript NM_002354.3 (MANE Select); 10 bases into the intron before coding-DNA position 658, T replaced by C.
Molecular consequence: intron variant.
Genome position (GRCh38, 1-based): chr2:47,379,759, T>C. VCF-style: chr2-47379759-T-C. GRCh37 (hg19) VCF-style: chr2-47606898-T-C.
Identifiers: ClinVar variation 4888436 (VCV004888436.1).

ClinVar aggregate classification (germline): Uncertain significance (1 of 4 stars; one submission).

Conditions:
Congenital diarrhea 5 with tufting enteropathy. Also called: Congenital tufting enteropathy; INTESTINAL EPITHELIAL CELL DYSPLASIA. Identifiers: Orphanet 92050, MedGen C2750737, MONDO:0013184, OMIM 613217.

Submission:

MVZ Praenatalmedizin und Genetik Nuernberg
Classification: Uncertain significance for Congenital diarrhea 5 with tufting enteropathy. Last evaluated: 2025-10-29. Review status: criteria provided, single submitter. Criteria: ACMG Guidelines, 2015. Collection method: clinical testing. Allele origin: germline. Affected: no.
Comment: The c.658-10T>C genetic variant was detected in the EPCAM gene in a heterozygous state. This very rare variant (GnomAD v4: 0 alleles) has not yet been described in the ClinVar database. The literature review yielded no additional information. Computer-based predictions (in silico) conducted for this purpose consistently indicate a benign assessment of the variant. This is not yet sufficient for classification, but raises the suspicion of benignity. In summary, based on the current data, we assess this to be a variant of uncertain clinical significance (VUS), but with a benign tendency. In the context of Lynch syndrome, according to current knowledge, only deletions in the 3'-region of EPCAM are relevant (PMID: 23938213). Thus, the identified genetic alteration is irrelevant with regard to Lynch syndrome. Beyond Lynch syndrome, EPCAM is also associated in an autosomal recessive manner with Tufting enteropathy (OMIM #613217). The identified variant is of unclear significance regarding carrier status for Tufting enteropathy.

Literature cited by the submitters: PubMed 23938213.